The following is an entry in ClinVar:

NM_182961.4(SYNE1):c.14577G>C (p.Gln4859His)

Gene: SYNE1 (spectrin repeat containing nuclear envelope protein 1; minus strand). Cytogenetic location: 6q25.2.
Variant type: single nucleotide variant.
Coding change: c.14577G>C on transcript NM_182961.4 (MANE Select); coding-DNA position 14577, G replaced by C.
Protein change: p.Gln4859His; replaces glutamine 4859 with histidine.
Molecular consequence: missense variant.
Genome position (GRCh38, 1-based): chr6:152,330,108, C>G on the plus strand (G>C on the coding strand, the complement: SYNE1 is on the minus strand). VCF-style: chr6-152330108-C-G. GRCh37 (hg19) VCF-style: chr6-152651243-C-G.
Other names: c.14364G>C, p.Gln4788His (NM_033071.5); c.14577G>C (NM_182961.2); short protein forms Q4788H, Q4859H.
Identifiers: ClinVar variation 470999 (VCV000470999.46), dbSNP rs369433602, ClinGen allele CA4055983.

ClinVar aggregate classification (germline): Uncertain significance. Review status: criteria provided, multiple submitters, no conflicts (2 of 4 stars). 5 submissions from 5 submitters: Uncertain significance (5). Last evaluated 2025-05-08.

Conditions:
Autosomal recessive ataxia, Beauce type. Also called: Spinocerebellar ataxia, autosomal recessive 8; SYNE1 Deficiency; ATAXIA, RECESSIVE, OF BEAUCE; SYNE1-Related Autosomal Recessive Cerebellar Ataxia. Identifiers: Orphanet 88644, MedGen C1853116, MONDO:0012549, OMIM 610743.
Emery-Dreifuss muscular dystrophy 4, autosomal dominant (EDMD4). Also called: EMERY-DREIFUSS MUSCULAR DYSTROPHY 4 WITH VARIABLE FEATURES. Identifiers: Orphanet 261, MedGen C2751807, MONDO:0013071, OMIM 612998.

Allele frequency attached by ClinVar (database versions not stated): ESP Exome Variant Server 0.00008; ExAC 0.00001; gnomAD exomes 0.00001 and 0.00003; TOPMed 0.00001; gnomAD 0.00002.
gnomAD v4.1: 54 of 1,614,086 alleles (0.0033%); highest among the groups gnomAD compares: Non-Finnish European, 0.0044%; no homozygotes.

Submissions (5):

Revvity Omics, Revvity
Classification: Uncertain significance. Last evaluated: 2025-05-08. Review status: criteria provided, single submitter. Criteria: ACMG Guidelines, 2015. Collection method: clinical testing. Allele origin: germline.

Athena Diagnostics
Classification: Uncertain significance. Last evaluated: 2022-09-06. Review status: criteria provided, single submitter. Criteria: Athena Diagnostics Criteria. Collection method: clinical testing. Allele origin: unknown.

Labcorp Genetics (formerly Invitae), Labcorp
Classification: Uncertain significance for Emery-Dreifuss muscular dystrophy 4, autosomal dominant; Autosomal recessive ataxia, Beauce type. Last evaluated: 2022-07-11. Review status: criteria provided, single submitter. Criteria: Invitae Variant Classification Sherloc (09022015). Collection method: clinical testing. Allele origin: germline.
Comment: In summary, the available evidence is currently insufficient to determine the role of this variant in disease. Therefore, it has been classified as a Variant of Uncertain Significance. Algorithms developed to predict the effect of missense changes on protein structure and function (SIFT, PolyPhen-2, Align-GVGD) all suggest that this variant is likely to be tolerated. ClinVar contains an entry for this variant (Variation ID: 470999). This variant has not been reported in the literature in individuals affected with SYNE1-related conditions. This variant is present in population databases (rs369433602, gnomAD 0.003%). This sequence change replaces glutamine, which is neutral and polar, with histidine, which is basic and polar, at codon 4788 of the SYNE1 protein (p.Gln4788His).

CeGaT Center for Human Genetics Tuebingen
Classification: Uncertain significance. Last evaluated: 2021-05-01. Review status: criteria provided, single submitter. Criteria: CeGaT Center For Human Genetics Tuebingen Variant Classification Criteria Version 2. Collection method: clinical testing. Allele origin: germline. Affected: yes. Observed: 1 variant allele.

Blueprint Genetics
Classification: Uncertain significance. Last evaluated: 2019-06-12. Review status: criteria provided, single submitter. Criteria: ACMG Guidelines, 2015. Collection method: clinical testing. Allele origin: germline.